The following is an entry in ClinVar:

NM_006755.2(TALDO1):c.506T>C (p.Leu169Pro)

Genes: TALDO1 (transaldolase 1; plus strand), LOC126861110 (CDK7 strongly-dependent group 2 enhancer GRCh37_chr11:762588-763787; plus strand). Cytogenetic location: 11p15.5.
Variant type: single nucleotide variant.
Coding change: c.506T>C on transcript NM_006755.2 (MANE Select); coding-DNA position 506, T replaced by C.
Protein change: p.Leu169Pro; replaces leucine 169 with proline.
Molecular consequence: missense variant.
Genome position (GRCh38, 1-based): chr11:763,388, T>C. VCF-style: chr11-763388-T-C. GRCh37 (hg19) VCF-style: chr11-763388-T-C.
Other names: short protein forms L169P.
Identifiers: ClinVar variation 1922835 (VCV001922835.2), dbSNP rs142801207, ClinGen allele CA5788197.

ClinVar aggregate classification (germline): Uncertain significance (1 of 4 stars; one submission).

Allele frequency attached by ClinVar (database versions not stated): gnomAD exomes 0.00007; TOPMed 0.00009; ExAC 0.00011; gnomAD 0.00011; ESP Exome Variant Server 0.00015; 1000 Genomes Project 30x 0.00016; 1000 Genomes Project 0.00020.
gnomAD v4.1: 113 of 1,606,662 alleles (0.007%); highest among the groups gnomAD compares: Non-Finnish European, 0.0093%; 1 homozygote.

Submission:

Labcorp Genetics (formerly Invitae), Labcorp
Classification: Uncertain significance. Last evaluated: 2022-08-03. Review status: criteria provided, single submitter. Criteria: Invitae Variant Classification Sherloc (09022015). Collection method: clinical testing. Allele origin: germline.
Comment: This sequence change replaces leucine, which is neutral and non-polar, with proline, which is neutral and non-polar, at codon 169 of the TALDO1 protein (p.Leu169Pro). The frequency data for this variant in the population databases is considered unreliable, as metrics indicate poor data quality at this position in the gnomAD database. This variant has not been reported in the literature in individuals affected with TALDO1-related conditions. Algorithms developed to predict the effect of missense changes on protein structure and function (SIFT, PolyPhen-2, Align-GVGD) all suggest that this variant is likely to be disruptive. In summary, the available evidence is currently insufficient to determine the role of this variant in disease. Therefore, it has been classified as a Variant of Uncertain Significance.